The following is an entry in ClinVar:

ClinVar aggregate classification (germline): Likely benign. Review status: criteria provided, multiple submitters, no conflicts (2 of 4 stars). 5 submissions from 5 submitters: Likely benign (4). 1 of the submissions does not count toward it. Last evaluated 2025-02-16.

Conditions:
NF1-related disorder. Also called: NF1-related condition. Identifiers: MedGen CN379171.
Cardiovascular phenotype. Identifiers: MedGen CN230736.
Hereditary cancer-predisposing syndrome. Also called: Neoplastic Syndromes, Hereditary; Tumor predisposition; Hereditary Cancer Syndrome; Hereditary neoplastic syndrome. Identifiers: Orphanet 140162, MedGen C0027672, MeSH D009386, MONDO:0015356.
Neurofibromatosis, type 1 (NF1). Also called: VON RECKLINGHAUSEN DISEASE; Peripheral type neurofibromatosis; NEUROFIBROMATOSIS, TYPE I, SOMATIC; Neurofibromatosis, type I. Identifiers: Orphanet 636, MedGen C0027831, MONDO:0018975, OMIM 162200. Disease mechanism: loss of function.

Allele frequency attached by ClinVar (database versions not stated): gnomAD exomes below 0.00001 and 0.00001; gnomAD 0.00001.
gnomAD v4.1: 4 of 1,579,614 alleles (0.00025%); highest among the groups gnomAD compares: Non-Finnish European, 0.00034%; no homozygotes.

Submissions (5):

Labcorp Genetics (formerly Invitae), Labcorp
Classification: Likely benign for Neurofibromatosis, type 1. Last evaluated: 2025-02-16. Review status: criteria provided, single submitter. Criteria: Invitae Variant Classification Sherloc (09022015). Collection method: clinical testing. Allele origin: germline.

Blueprint Genetics
Classification: Likely benign. Last evaluated: 2022-07-13. Review status: criteria provided, single submitter. Criteria: ACMG Guidelines, 2015. Collection method: clinical testing. Allele origin: germline.

Genome-Nilou Lab
Classification: Likely benign for Neurofibromatosis, type 1. Last evaluated: 2022-03-15. Review status: criteria provided, single submitter. Criteria: ACMG Guidelines, 2015. Collection method: clinical testing. Allele origin: germline. Affected: no.

Ambry Genetics
Classification: Likely benign for Cardiovascular phenotype; Hereditary cancer-predisposing syndrome. Last evaluated: 2020-10-07. Review status: criteria provided, single submitter. Criteria: Ambry Variant Classification Scheme 2023. Collection method: clinical testing. Allele origin: germline.

PreventionGenetics, part of Exact Sciences
Classification: Likely benign for NF1-related condition. Last evaluated: 2021-04-06. Review status: no assertion criteria provided. Collection method: clinical testing. Allele origin: germline. Not counted in ClinVar's aggregate classification.
Comment: This variant is classified as likely benign based on ACMG/AMP sequence variant interpretation guidelines (Richards et al. 2015 PMID: 25741868, with internal and published modifications).

NM_001042492.3(NF1):c.7190-4G>A

Gene: NF1 (neurofibromin 1; plus strand). Cytogenetic location: 17q11.2.
Variant type: single nucleotide variant.
Coding change: c.7190-4G>A on transcript NM_001042492.3 (MANE Select); 4 bases into the intron before coding-DNA position 7190, G replaced by A.
Molecular consequence: intron variant.
Genome position (GRCh38, 1-based): chr17:31,349,116, G>A. VCF-style: chr17-31349116-G-A. GRCh37 (hg19) VCF-style: chr17-29676134-G-A.
Other names: c.7190-4G>A (NM_001042492.2); c.7127-4G>A (NM_000267.4).
Identifiers: ClinVar variation 826855 (VCV000826855.14), dbSNP rs1414521347, ClinGen allele CA625474031.
Genomic context (GRCh38, chr17:31,349,116, plus strand): 5'-GCAGATGCTTGTTCAAAAAATTAATTCTTACTTGTTTGTTTGTTTGTTTGTTTGTTTTTT[G>A]TAGGGTACAGGCATCCTTCACCTGCTATTGTTGCAAGAACAGTCAGAATTTTACATACAC-3'